The following is an entry in ClinVar:

NM_001370259.2(MEN1):c.497A>C (p.Gln166Pro)

Gene: MEN1 (menin 1; minus strand). Cytogenetic location: 11q13.1.
Variant type: single nucleotide variant.
Coding change: c.497A>C on transcript NM_001370259.2 (MANE Select); coding-DNA position 497, A replaced by C.
Protein change: p.Gln166Pro; replaces glutamine 166 with proline.
Molecular consequence: missense variant.
Genome position (GRCh38, 1-based): chr11:64,808,048, T>G on the plus strand (A>C on the coding strand, the complement: MEN1 is on the minus strand). VCF-style: chr11-64808048-T-G. GRCh37 (hg19) VCF-style: chr11-64575520-T-G.
Other names: c.512A>C, p.Gln171Pro (NM_000244.4, NM_001407145.1, NM_001407150.1 and 5 more transcripts); c.497A>C, p.Gln166Pro (NM_001370251.2, NM_001370260.2, NM_001370261.2 and 12 more transcripts); short protein forms Q166P, Q171P.
Identifiers: ClinVar variation 2134328 (VCV002134328.4), dbSNP rs2497226669, ClinGen allele CA381186090.

ClinVar aggregate classification (germline): Uncertain significance (1 of 4 stars; one submission).

Conditions:
Multiple endocrine neoplasia, type 1 (MEN1). Also called: MEN I; WERMER SYNDROME; Endocrine adenomatosis multiple; MEN 1; MEA I. Identifiers: Orphanet 652, MedGen C0025267, MeSH D018761, MONDO:0007540, OMIM 131100.

Submission:

Labcorp Genetics (formerly Invitae), Labcorp
Classification: Uncertain significance for Multiple endocrine neoplasia, type 1. Last evaluated: 2024-12-04. Review status: criteria provided, single submitter. Criteria: Invitae Variant Classification Sherloc (09022015). Collection method: clinical testing. Allele origin: germline.
Comment: This sequence change replaces glutamine, which is neutral and polar, with proline, which is neutral and non-polar, at codon 166 of the MEN1 protein (p.Gln166Pro). This variant is not present in population databases (gnomAD no frequency). This variant has not been reported in the literature in individuals affected with MEN1-related conditions. ClinVar contains an entry for this variant (Variation ID: 2134328). Invitae Evidence Modeling of protein sequence and biophysical properties (such as structural, functional, and spatial information, amino acid conservation, physicochemical variation, residue mobility, and thermodynamic stability) indicates that this missense variant is expected to disrupt MEN1 protein function with a positive predictive value of 95%. In summary, the available evidence is currently insufficient to determine the role of this variant in disease. Therefore, it has been classified as a Variant of Uncertain Significance.